The following is an entry in ClinVar:

ClinVar aggregate classification (germline): Uncertain significance (1 of 4 stars; one submission).

Conditions:
Lethal congenital glycogen storage disease of heart. Also called: GLYCOGEN STORAGE DISEASE OF HEART; PHOSPHORYLASE KINASE DEFICIENCY OF HEART. Identifiers: Orphanet 439854, MedGen C1849813, MONDO:0009867, OMIM 261740.

Submission:

Labcorp Genetics (formerly Invitae), Labcorp
Classification: Uncertain significance for Lethal congenital glycogen storage disease of heart. Last evaluated: 2024-09-24. Review status: criteria provided, single submitter. Criteria: Invitae Variant Classification Sherloc (09022015). Collection method: clinical testing. Allele origin: germline.
Comment: This sequence change replaces alanine, which is neutral and non-polar, with serine, which is neutral and polar, at codon 561 of the PRKAG2 protein (p.Ala561Ser). This variant is not present in population databases (gnomAD no frequency). This variant has not been reported in the literature in individuals affected with PRKAG2-related conditions. An algorithm developed to predict the effect of missense changes on protein structure and function (PolyPhen-2) suggests that this variant is likely to be tolerated. In summary, the available evidence is currently insufficient to determine the role of this variant in disease. Therefore, it has been classified as a Variant of Uncertain Significance.

NM_016203.4(PRKAG2):c.1681G>T (p.Ala561Ser)

Gene: PRKAG2 (protein kinase AMP-activated non-catalytic subunit gamma 2; minus strand). Cytogenetic location: 7q36.1.
Variant type: single nucleotide variant.
Coding change: c.1681G>T on transcript NM_016203.4 (MANE Select); coding-DNA position 1681, G replaced by T.
Protein change: p.Ala561Ser; replaces alanine 561 with serine.
Molecular consequence: missense variant. On other transcripts: 3 prime UTR variant (7).
Genome position (GRCh38, 1-based): chr7:151,557,230, C>A on the plus strand (G>T on the coding strand, the complement: PRKAG2 is on the minus strand). VCF-style: chr7-151557230-C-A. GRCh37 (hg19) VCF-style: chr7-151254316-C-A.
Other names: c.958G>T, p.Ala320Ser (NM_024429.2, NM_001304531.2); c.1549G>T, p.Ala517Ser (NM_001040633.2, NM_001407024.1); c.1306G>T, p.Ala436Ser (NM_001304527.2); c.1309G>T, p.Ala437Ser (NM_001363698.2); c.*3112G>T (NM_001407021.1, NM_001407022.1, NM_001407028.1 and 4 more transcripts); c.1678G>T, p.Ala560Ser (NM_001407023.1); c.1546G>T, p.Ala516Ser (NM_001407026.1, NM_001407027.1); c.1393G>T, p.Ala465Ser (NM_001407030.1); and 6 more; short protein forms A319S, A436S, A453S, A465S, A437S, A455S, A320S, A336S.
Identifiers: ClinVar variation 3720626 (VCV003720626.2).